The following is an entry in ClinVar:

ClinVar aggregate classification (germline): Uncertain significance (1 of 4 stars; one submission).

Conditions:
Nephrotic syndrome, type 3 (NPHS3). Also called: NEPHROTIC SYNDROME, EARLY-ONSET, TYPE 3. Identifiers: Orphanet 656, MedGen C1853124, MONDO:0012546, OMIM 610725.

Allele frequency attached by ClinVar (database versions not stated): gnomAD exomes below 0.00001.
gnomAD v4.1: 1 of 1,613,990 alleles (0.000062%); highest among the groups gnomAD compares: Non-Finnish European, 0.000085%; no homozygotes.

Submission:

Laboratorio de Genetica e Diagnostico Molecular, Hospital Israelita Albert Einstein
Classification: Uncertain significance for Nephrotic syndrome, type 3. Last evaluated: 2021-07-27. Review status: criteria provided, single submitter. Criteria: ACMG Guidelines, 2015. Collection method: clinical testing. Allele origin: germline. Affected: yes.
Comment: ACMG classification criteria: PM2 moderate, PM3 supporting, PP3 supporting

NM_016341.4(PLCE1):c.5510G>A (p.Gly1837Asp)

Gene: PLCE1 (phospholipase C epsilon 1; plus strand). Cytogenetic location: 10q23.33.
Variant type: single nucleotide variant.
Coding change: c.5510G>A on transcript NM_016341.4 (MANE Select); coding-DNA position 5510, G replaced by A.
Protein change: p.Gly1837Asp; replaces glycine 1837 with aspartic acid.
Molecular consequence: missense variant.
Genome position (GRCh38, 1-based): chr10:94,304,533, G>A. VCF-style: chr10-94304533-G-A. GRCh37 (hg19) VCF-style: chr10-96064290-G-A.
Other names: c.4586G>A, p.Gly1529Asp (NM_001165979.2); c.5462G>A, p.Gly1821Asp (NM_001288989.2); short protein forms G1529D, G1821D, G1837D.
Identifiers: ClinVar variation 1683686 (VCV001683686.2), dbSNP rs2053139766, ClinGen allele CA377642860.